The following is an entry in ClinVar:

NM_000268.4(NF2):c.989C>T (p.Ala330Val)

Gene: NF2 (NF2, moesin-ezrin-radixin like (MERLIN) tumor suppressor; plus strand). Cytogenetic location: 22q12.2.
Variant type: single nucleotide variant.
Coding change: c.989C>T on transcript NM_000268.4 (MANE Select); coding-DNA position 989, C replaced by T.
Protein change: p.Ala330Val; replaces alanine 330 with valine.
Molecular consequence: missense variant. On other transcripts: non-coding transcript variant (1), intron variant (1).
Genome position (GRCh38, 1-based): chr22:29,668,436, C>T. VCF-style: chr22-29668436-C-T. GRCh37 (hg19) VCF-style: chr22-30064425-C-T.
Other names: c.863C>T, p.Ala288Val (NM_181828.3, NM_001407055.1); c.866C>T, p.Ala289Val (NM_181829.3, NM_001407054.1, NM_001407058.1); c.740C>T, p.Ala247Val (NM_181830.3, NM_181831.3, NM_001407063.1 and 1 more transcripts); c.989C>T, p.Ala330Val (NM_181832.3, NM_001407060.1, NM_001407066.1 and 2 more transcripts); c.447+26151C>T (NM_181833.3); c.875C>T, p.Ala292Val (NM_001407053.1, NM_001407056.1); c.854C>T, p.Ala285Val (NM_001407057.1, NM_001407059.1); c.731C>T, p.Ala244Val (NM_001407062.1); and 2 more; short protein forms A152V, A244V, A247V, A253V, A285V, A288V, A289V, A292V.
Identifiers: ClinVar variation 4861012 (VCV004861012.1).
Genomic context (GRCh38, chr22:29,668,436, plus strand): 5'-GAAGGAAAGCCGATTCTTTGGAAGTTCAGCAGATGAAAGCCCAGGCCAGGGAGGAGAAGG[C>T]TAGAAAGCAGGTGAGCACAACCTTGTTTTAACTGATGATGTCACTGTGTGGTCAGTCCTG-3'
Protein context (NP_000259.1, residues 320-340): QMKAQAREEK[Ala330Val]RKQMERQRLA

ClinVar aggregate classification (germline): Uncertain significance (1 of 4 stars; one submission).

Conditions:
Hereditary cancer-predisposing syndrome. Also called: Neoplastic Syndromes, Hereditary; Tumor predisposition; Hereditary Cancer Syndrome; Hereditary neoplastic syndrome. Identifiers: Orphanet 140162, MedGen C0027672, MeSH D009386, MONDO:0015356.

Submission:

Ambry Genetics
Classification: Uncertain significance for Hereditary cancer-predisposing syndrome. Last evaluated: 2026-03-25. Review status: criteria provided, single submitter. Criteria: Ambry Variant Classification Scheme 2023. Collection method: clinical testing. Allele origin: germline.
Comment: The p.A330V variant (also known as c.989C>T), located in coding exon 10 of the NF2 gene, results from a C to T substitution at nucleotide position 989. The alanine at codon 330 is replaced by valine, an amino acid with similar properties. This amino acid position is conserved. In addition, the in silico prediction for this alteration is inconclusive. Based on the available evidence, the clinical significance of this variant remains unclear.